The following is an entry in ClinVar:

NM_032737.4(LMNB2):c.281C>G (p.Ala94Gly)

Gene: LMNB2 (lamin B2; minus strand). Cytogenetic location: 19p13.3.
Variant type: single nucleotide variant.
Coding change: c.281C>G on transcript NM_032737.4 (MANE Select); coding-DNA position 281, C replaced by G.
Protein change: p.Ala94Gly; replaces alanine 94 with glycine.
Molecular consequence: missense variant.
Genome position (GRCh38, 1-based): chr19:2,444,524, G>C on the plus strand (C>G on the coding strand, the complement: LMNB2 is on the minus strand). VCF-style: chr19-2444524-G-C. GRCh37 (hg19) VCF-style: chr19-2444522-G-C.
Other names: short protein forms A94G.
Identifiers: ClinVar variation 2185512 (VCV002185512.4), dbSNP rs778299381, ClinGen allele CA9067949.

ClinVar aggregate classification (germline): Uncertain significance (1 of 4 stars; one submission).

Conditions:
Lipodystrophy, partial, acquired, susceptibility to (APLD). Also called: APLD, SUSCEPTIBILITY TO. Identifiers: MedGen C3887501, MONDO:0100476, OMIM 608709.
Progressive myoclonic epilepsy type 9. Identifiers: Orphanet 457265, MedGen C4225289, MONDO:0014685, OMIM 616540.

Allele frequency attached by ClinVar (database versions not stated): 1000 Genomes Project 30x 0.00016.
gnomAD v4.1: 1 of 1,611,006 alleles (0.000062%); highest among the groups gnomAD compares: Admixed American, 0.0017%; no homozygotes.

Submission:

Labcorp Genetics (formerly Invitae), Labcorp
Classification: Uncertain significance for Progressive myoclonic epilepsy type 9; Lipodystrophy, partial, acquired, susceptibility to. Last evaluated: 2022-07-20. Review status: criteria provided, single submitter. Criteria: Invitae Variant Classification Sherloc (09022015). Collection method: clinical testing. Allele origin: germline.
Comment: In summary, the available evidence is currently insufficient to determine the role of this variant in disease. Therefore, it has been classified as a Variant of Uncertain Significance. Algorithms developed to predict the effect of missense changes on protein structure and function (SIFT, PolyPhen-2, Align-GVGD) all suggest that this variant is likely to be tolerated. This variant has not been reported in the literature in individuals affected with LMNB2-related conditions. This variant is present in population databases (rs778299381, gnomAD 0.003%). This sequence change replaces alanine, which is neutral and non-polar, with glycine, which is neutral and non-polar, at codon 94 of the LMNB2 protein (p.Ala94Gly).